The following is an entry in ClinVar:

NM_000038.6(APC):c.4508C>A (p.Ser1503Ter)

Gene: APC (APC regulator of Wnt signaling pathway; plus strand). Cytogenetic location: 5q22.2.
Variant type: single nucleotide variant.
Coding change: c.4508C>A on transcript NM_000038.6 (MANE Select); coding-DNA position 4508, C replaced by A.
Protein change: p.Ser1503Ter; replaces serine 1503 with a stop codon.
Molecular consequence: nonsense. On other transcripts: non-coding transcript variant (2).
Genome position (GRCh38, 1-based): chr5:112,840,102, C>A. VCF-style: chr5-112840102-C-A. GRCh37 (hg19) VCF-style: chr5-112175799-C-A.
Other names: c.4508C>A, p.Ser1503Ter (NM_001127510.3, NM_001354895.2, NM_001407450.1); c.4454C>A, p.Ser1485Ter (NM_001127511.3); c.4562C>A, p.Ser1521Ter (NM_001354896.2, NM_001407447.1, NM_001407448.1 and 1 more transcripts); c.4538C>A, p.Ser1513Ter (NM_001354897.2); c.4433C>A, p.Ser1478Ter (NM_001354898.2); c.4424C>A, p.Ser1475Ter (NM_001354899.2); c.4385C>A, p.Ser1462Ter (NM_001354900.2); c.4331C>A, p.Ser1444Ter (NM_001354901.2, NM_001407453.1); and 11 more; short protein forms S1119*, S1220*, S1343*, S1374*, S1377*, S1402*, S1412*, S1420*.
Identifiers: ClinVar variation 2584283 (VCV002584283.2), dbSNP rs2149916356, ClinGen allele CA16031196.

ClinVar aggregate classification (germline): Pathogenic (1 of 4 stars; one submission).

Conditions:
Familial adenomatous polyposis 1 (FAP1). Also called: FAMILIAL ADENOMATOUS POLYPOSIS 1, ATTENUATED; POLYPOSIS, ADENOMATOUS INTESTINAL. Identifiers: MedGen C2713442, MONDO:0021056, OMIM 175100. Disease mechanism: loss of function.

Submission:

Myriad Genetics, Inc.
Classification: Pathogenic for Familial adenomatous polyposis 1. Last evaluated: 2023-05-11. Review status: criteria provided, single submitter. Criteria: Myriad Autosomal Dominant, Autosomal Recessive and X-Linked Classification Criteria (2023). Collection method: clinical testing. Allele origin: unknown.
Comment: This variant is considered pathogenic. This variant creates a termination codon and is predicted to result in premature protein truncation.